The following is an entry in ClinVar:

ClinVar aggregate classification (germline): Likely benign. Review status: criteria provided, multiple submitters, no conflicts (2 of 4 stars). 2 submissions from 2 submitters: Likely benign (2). Last evaluated 2023-06-10.

Conditions:
Cortical dysplasia-focal epilepsy syndrome (PTHSL1). Also called: Pitt-Hopkins-like syndrome 1. Identifiers: Orphanet 163681, Orphanet 221150, MedGen C2750246, MONDO:0012400, OMIM 610042.

Allele frequency attached by ClinVar (database versions not stated): gnomAD exomes 0.00001.
gnomAD v4.1: 9 of 1,614,092 alleles (0.00056%); highest among the groups gnomAD compares: South Asian, 0.0011%; no homozygotes.

Submissions (2):

Labcorp Genetics (formerly Invitae), Labcorp
Classification: Likely benign for Cortical dysplasia-focal epilepsy syndrome. Last evaluated: 2023-06-10. Review status: criteria provided, single submitter. Criteria: Invitae Variant Classification Sherloc (09022015). Collection method: clinical testing. Allele origin: germline.

GeneDx
Classification: Likely benign. Last evaluated: 2016-07-12. Review status: criteria provided, single submitter. Criteria: GeneDx Variant Classification (06012015). Collection method: clinical testing. Allele origin: germline. Affected: yes.
Comment: This variant is considered likely benign or benign based on one or more of the following criteria: it is a conservative change, it occurs at a poorly conserved position in the protein, it is predicted to be benign by multiple in silico algorithms, and/or has population frequency not consistent with disease.

NM_014141.6(CNTNAP2):c.2604G>A (p.Glu868=)

Gene: CNTNAP2 (contactin associated protein 2; plus strand). Cytogenetic location: 7q35.
Variant type: single nucleotide variant.
Coding change: c.2604G>A on transcript NM_014141.6 (MANE Select); coding-DNA position 2604, G replaced by A.
Protein change: p.Glu868=; no amino-acid change (glutamic acid 868 retained).
Molecular consequence: synonymous variant.
Genome position (GRCh38, 1-based): chr7:148,147,540, G>A. VCF-style: chr7-148147540-G-A. GRCh37 (hg19) VCF-style: chr7-147844632-G-A.
Identifiers: ClinVar variation 76762 (VCV000076762.4), dbSNP rs267601389, ClinGen allele CA16602258.